The following is an entry in ClinVar:

NM_031885.5(BBS2):c.1333A>G (p.Ile445Val)

Gene: BBS2 (Bardet-Biedl syndrome 2; minus strand). Cytogenetic location: 16q13.
Variant type: single nucleotide variant.
Coding change: c.1333A>G on transcript NM_031885.5 (MANE Select); coding-DNA position 1333, A replaced by G.
Protein change: p.Ile445Val; replaces isoleucine 445 with valine.
Molecular consequence: missense variant. On other transcripts: non-coding transcript variant (2).
Genome position (GRCh38, 1-based): chr16:56,500,918, T>C on the plus strand (A>G on the coding strand, the complement: BBS2 is on the minus strand). VCF-style: chr16-56500918-T-C. GRCh37 (hg19) VCF-style: chr16-56534830-T-C.
Other names: c.1333A>G (NM_031885.3); c.1333A>G, p.Ile445Val (NM_001377456.1); short protein forms I445V.
Identifiers: ClinVar variation 1053873 (VCV001053873.11), dbSNP rs145757541, ClinGen allele CA8065763.

ClinVar aggregate classification (germline): Uncertain significance. Review status: criteria provided, multiple submitters, no conflicts (2 of 4 stars). 4 submissions from 4 submitters: Uncertain significance (3). 1 of the submissions does not count toward it. Last evaluated 2026-05-27.

Conditions:
Bardet-Biedl syndrome (BBS). Identifiers: Orphanet 110, MedGen C0752166, MONDO:0015229.
Retinitis pigmentosa 74 (RP74). Identifiers: Orphanet 791, MedGen C4225281, MONDO:0014692, OMIM 616562.
Bardet-Biedl syndrome 2 (BBS2). Identifiers: Orphanet 110, MedGen C2936863, MONDO:0014432, OMIM 615981.
BBS2-related disorder. Also called: BBS2-related disorders; BBS2-related condition. Identifiers: MedGen CN239228.

Allele frequency attached by ClinVar (database versions not stated): gnomAD 0.00002 and 0.00003; TOPMed 0.00002; ESP Exome Variant Server 0.00008; 1000 Genomes Project 0.00020; 1000 Genomes Project 30x 0.00031.
gnomAD v4.1: 15 of 1,614,046 alleles (0.00093%); highest among the groups gnomAD compares: Admixed American, 0.012%; no homozygotes.

Submissions (4):

PreventionGenetics, part of Exact Sciences
Classification: Uncertain significance for BBS2-related condition. Last evaluated: 2026-05-27. Review status: criteria provided, single submitter. Criteria: ACMG Guidelines, 2015. Collection method: clinical testing. Allele origin: germline.
Comment: The BBS2 c.1333A>G variant is predicted to result in the amino acid substitution p.Ile445Val. To our knowledge, this variant has not been reported in the literature. This variant is reported in 0.017% of alleles in individuals of Latino descent in gnomAD. At this time, the clinical significance of this variant is uncertain due to the absence of conclusive functional and genetic evidence.

Labcorp Genetics (formerly Invitae), Labcorp
Classification: Uncertain significance for Bardet-Biedl syndrome. Last evaluated: 2024-10-07. Review status: criteria provided, single submitter. Criteria: Invitae Variant Classification Sherloc (09022015). Collection method: clinical testing. Allele origin: germline.
Comment: This sequence change replaces isoleucine, which is neutral and non-polar, with valine, which is neutral and non-polar, at codon 445 of the BBS2 protein (p.Ile445Val). This variant is present in population databases (rs145757541, gnomAD 0.02%). This variant has not been reported in the literature in individuals affected with BBS2-related conditions. ClinVar contains an entry for this variant (Variation ID: 1053873). Invitae Evidence Modeling of protein sequence and biophysical properties (such as structural, functional, and spatial information, amino acid conservation, physicochemical variation, residue mobility, and thermodynamic stability) indicates that this missense variant is not expected to disrupt BBS2 protein function with a negative predictive value of 80%. In summary, the available evidence is currently insufficient to determine the role of this variant in disease. Therefore, it has been classified as a Variant of Uncertain Significance.

Fulgent Genetics
Classification: Uncertain significance for Bardet-Biedl syndrome 2; Retinitis pigmentosa 74. Last evaluated: 2021-11-05. Review status: criteria provided, single submitter. Criteria: ACMG Guidelines, 2015. Collection method: clinical testing. Allele origin: unknown.

Natera, Inc.
Classification: Uncertain significance for Bardet-Biedl syndrome type 2. Last evaluated: 2020-12-09. Review status: no assertion criteria provided. Collection method: clinical testing. Allele origin: germline. Not counted in ClinVar's aggregate classification.